The following is an entry in ClinVar:

ClinVar aggregate classification (germline): Likely benign. Review status: criteria provided, multiple submitters, no conflicts (2 of 4 stars). 3 submissions from 3 submitters: Likely benign (3). Last evaluated 2025-08-14.

Conditions:
Nemaline myopathy 6 (NEM6). Also called: Nemaline myopathy 6, autosomal dominant. Identifiers: Orphanet 171439, MedGen C1836472, MONDO:0012237, OMIM 609273.

Allele frequency attached by ClinVar (database versions not stated): gnomAD 0.00003; gnomAD exomes 0.00003; TOPMed 0.00004; ExAC 0.00005.

Submissions (3):

Labcorp Genetics (formerly Invitae), Labcorp
Classification: Likely benign for Nemaline myopathy 6. Last evaluated: 2025-08-14. Review status: criteria provided, single submitter. Criteria: Invitae Variant Classification Sherloc (09022015). Collection method: clinical testing. Allele origin: germline.

GeneDx
Classification: Likely benign. Last evaluated: 2018-04-03. Review status: criteria provided, single submitter. Criteria: GeneDx Variant Classification Process June 2021. Collection method: clinical testing. Allele origin: germline. Affected: yes.

Illumina Laboratory Services, Illumina
Classification: Likely benign for Nemaline myopathy 6. Last evaluated: 2018-01-13. Review status: criteria provided, single submitter. Criteria: ICSL Variant Classification Criteria 13 December 2019. Collection method: clinical testing. Allele origin: germline.
Comment: This variant was observed in the ICSL laboratory as part of a predisposition screen in an ostensibly healthy population. It had not been previously curated by ICSL or reported in the Human Gene Mutation Database (HGMD: prior to June 1st, 2018), and was therefore a candidate for classification through an automated scoring system. Utilizing variant allele frequency, disease prevalence and penetrance estimates, and inheritance mode, an automated score was calculated to assess if this variant is too frequent to cause the disease. Based on the score and internal cut-off values, a variant classified as likely benign is not then subjected to further curation. The score for this variant resulted in a classification of likely benign for this disease.

NM_001101362.3(KBTBD13):c.921C>T (p.Leu307=)

Gene: KBTBD13 (kelch repeat and BTB domain containing 13; plus strand). Cytogenetic location: 15q22.31.
Variant type: single nucleotide variant.
Coding change: c.921C>T on transcript NM_001101362.3 (MANE Select); coding-DNA position 921, C replaced by T.
Protein change: p.Leu307=; no amino-acid change (leucine 307 retained).
Molecular consequence: synonymous variant.
Genome position (GRCh38, 1-based): chr15:65,077,736, C>T. VCF-style: chr15-65077736-C-T. GRCh37 (hg19) VCF-style: chr15-65370074-C-T.
Identifiers: ClinVar variation 391282 (VCV000391282.15), dbSNP rs773691737, ClinGen allele CA7614023.